The following is an entry in ClinVar:

NM_018480.7(TMEM126B):c.188A>G (p.Tyr63Cys)

Gene: TMEM126B (transmembrane protein 126B; plus strand). Cytogenetic location: 11q14.1.
Variant type: single nucleotide variant.
Coding change: c.188A>G on transcript NM_018480.7 (MANE Select); coding-DNA position 188, A replaced by G.
Protein change: p.Tyr63Cys; replaces tyrosine 63 with cysteine.
Molecular consequence: missense variant. On other transcripts: non-coding transcript variant (2), intron variant (2).
Genome position (GRCh38, 1-based): chr11:85,631,793, A>G. VCF-style: chr11-85631793-A-G. GRCh37 (hg19) VCF-style: chr11-85342837-A-G.
Other names: c.128A>G, p.Tyr43Cys (NM_001193537.3, NM_001350395.2); c.98A>G, p.Tyr33Cys (NM_001193538.3, NM_001256546.2, NM_001350396.2); c.188A>G, p.Tyr63Cys (NM_001350394.2); c.66-2293A>G (NM_001256547.2); c.82-2293A>G (NM_001350393.1); short protein forms Y33C, Y63C, Y43C.
Identifiers: ClinVar variation 1901073 (VCV001901073.4), dbSNP rs1256352112, ClinGen allele CA381989835.

ClinVar aggregate classification (germline): Uncertain significance (1 of 4 stars; one submission).

Allele frequency attached by ClinVar (database versions not stated): gnomAD 0.00001; gnomAD exomes 0.00001.
gnomAD v4.1: 7 of 1,605,612 alleles (0.00044%); highest among the groups gnomAD compares: South Asian, 0.0011%; no homozygotes.

Submission:

Labcorp Genetics (formerly Invitae), Labcorp
Classification: Uncertain significance. Last evaluated: 2022-09-07. Review status: criteria provided, single submitter. Criteria: Invitae Variant Classification Sherloc (09022015). Collection method: clinical testing. Allele origin: germline.
Comment: In summary, the available evidence is currently insufficient to determine the role of this variant in disease. Therefore, it has been classified as a Variant of Uncertain Significance. Algorithms developed to predict the effect of missense changes on protein structure and function output the following: SIFT: "Tolerated"; PolyPhen-2: "Benign"; Align-GVGD: "Class C0". The cysteine amino acid residue is found in multiple mammalian species, which suggests that this missense change does not adversely affect protein function. This variant has not been reported in the literature in individuals affected with TMEM126B-related conditions. This variant is present in population databases (no rsID available, gnomAD 0.0009%). This sequence change replaces tyrosine, which is neutral and polar, with cysteine, which is neutral and slightly polar, at codon 63 of the TMEM126B protein (p.Tyr63Cys).